The following is an entry in ClinVar:

NM_021971.4(GMPPB):c.893G>A (p.Arg298His)

Gene: GMPPB (GDP-mannose pyrophosphorylase B; minus strand). Cytogenetic location: 3p21.31.
Variant type: single nucleotide variant.
Coding change: c.893G>A on transcript NM_021971.4 (MANE Select); coding-DNA position 893, G replaced by A.
Protein change: p.Arg298His; replaces arginine 298 with histidine.
Molecular consequence: missense variant.
Genome position (GRCh38, 1-based): chr3:49,722,023, C>T on the plus strand (G>A on the coding strand, the complement: GMPPB is on the minus strand). VCF-style: chr3-49722023-C-T. GRCh37 (hg19) VCF-style: chr3-49759456-C-T.
Other names: c.893G>A, p.Arg298His (NM_013334.4); short protein forms R298H.
Identifiers: ClinVar variation 1378528 (VCV001378528.8), dbSNP rs766498097, ClinGen allele CA2405412.
Genomic context (GRCh38, chr3:49,722,023, plus strand): 5'-ACCCACTGACCCACGCGGCAGCGCCAGCCCACAATGCAGGACTCAAGCCAGGAATGGGAA[C>T]GGATCCGGGCATCCCGCAGCACCGTGCACCGCCGGATACACACACCATCTTCGACCACCA-3'
Protein context (NP_068806.2, residues 288-308): RCTVLRDARI[Arg298His]SHSWLESCIV

ClinVar aggregate classification (germline): Uncertain significance. Review status: criteria provided, multiple submitters, no conflicts (2 of 4 stars). 3 submissions from 3 submitters: Uncertain significance (3). Last evaluated 2025-08-11.

Conditions:
Muscular dystrophy-dystroglycanopathy (congenital with impaired intellectual development), type B, 14. Also called: Congenital muscular dystrophy-dystroglycanopathy with mental retardation, type B14; Muscular dystrophy-dystroglycanopathy (congenital with intellectual disability), type B14; MUSCULAR DYSTROPHY, CONGENITAL, GMPPB-RELATED. Identifiers: MedGen C3809221, MONDO:0014141, OMIM 615351.
Autosomal recessive limb-girdle muscular dystrophy type 2T. Also called: Limb-girdle muscular dystrophy-dystroglycanopathy, type C14; MUSCULAR DYSTROPHY-DYSTROGLYCANOPATHY, LIMB-GIRDLE, GMPPB-RELATED; MUSCULAR DYSTROPHY, LIMB-GIRDLE, TYPE 2T; Muscular dystrophy-dystroglycanopathy (limb-girdle), type c, 14. Identifiers: Orphanet 363623, MedGen C4518000, MONDO:0014142, OMIM 615352.
Muscular dystrophy-dystroglycanopathy (congenital with brain and eye anomalies), type A14. Also called: Congenital muscular dystrophy-dystroglycanopathy with brain and eye anomalies, type A14; WALKER-WARBURG SYNDROME OR MUSCLE-EYE-BRAIN DISEASE, GMPPB-RELATED; Muscular dystrophy-dystroglycanopathy (congenital with brain and eye anomalies), type a, 14; Congenital Muscular Dystrophy-Dystroglycanopathy with Brain and Eye Anomalies Type A 14. Identifiers: Orphanet 588, MedGen C3809216, MONDO:0014140, OMIM 615350.

Allele frequency attached by ClinVar (database versions not stated): gnomAD 0.00002 and 0.00003; TOPMed 0.00004.
gnomAD v4.1: 41 of 1,613,460 alleles (0.0025%); highest among the groups gnomAD compares: East Asian, 0.0045%; no homozygotes.

Submissions (3):

Labcorp Genetics (formerly Invitae), Labcorp
Classification: Uncertain significance for Autosomal recessive limb-girdle muscular dystrophy type 2T; Muscular dystrophy-dystroglycanopathy (congenital with brain and eye anomalies), type A14; Muscular dystrophy-dystroglycanopathy (congenital with impaired intellectual development), type B, 14. Last evaluated: 2025-08-11. Review status: criteria provided, single submitter. Criteria: Invitae Variant Classification Sherloc (09022015). Collection method: clinical testing. Allele origin: germline.
Comment: This sequence change replaces arginine, which is basic and polar, with histidine, which is basic and polar, at codon 298 of the GMPPB protein (p.Arg298His). This variant is present in population databases (rs766498097, gnomAD 0.007%). This variant has not been reported in the literature in individuals affected with GMPPB-related conditions. ClinVar contains an entry for this variant (Variation ID: 1378528). Invitae Evidence Modeling of protein sequence and biophysical properties (such as structural, functional, and spatial information, amino acid conservation, physicochemical variation, residue mobility, and thermodynamic stability) indicates that this missense variant is not expected to disrupt GMPPB protein function with a negative predictive value of 80%. In summary, the available evidence is currently insufficient to determine the role of this variant in disease. Therefore, it has been classified as a Variant of Uncertain Significance.

Revvity Omics, Revvity
Classification: Uncertain significance. Last evaluated: 2023-09-11. Review status: criteria provided, single submitter. Criteria: ACMG Guidelines, 2015. Collection method: clinical testing. Allele origin: germline.

Fulgent Genetics
Classification: Uncertain significance for Muscular dystrophy-dystroglycanopathy (congenital with brain and eye anomalies), type A14; Muscular dystrophy-dystroglycanopathy (congenital with impaired intellectual development), type B, 14; Autosomal recessive limb-girdle muscular dystrophy type 2T. Last evaluated: 2022-05-06. Review status: criteria provided, single submitter. Criteria: ACMG Guidelines, 2015. Collection method: clinical testing. Allele origin: unknown.